The following is an entry in ClinVar:

ClinVar aggregate classification (germline): Uncertain significance (1 of 4 stars; one submission).

Allele frequency attached by ClinVar (database versions not stated): TOPMed 0.00001.

Submission:

Women's Health and Genetics/Laboratory Corporation of America, LabCorp
Classification: Uncertain significance. Last evaluated: 2024-02-09. Review status: criteria provided, single submitter. Criteria: LabCorp Variant Classification Summary - May 2015. Collection method: clinical testing. Allele origin: germline.
Comment: Variant summary: NOTCH3 c.5314C>T (p.Gln1772X) results in a premature termination codon, predicted to cause a truncation of the encoded protein or absence of the protein due to nonsense mediated decay, however current evidence is not sufficient to establish loss-of-function variants in NOTCH3 as causative of disease.The variant was absent in 251094 control chromosomes (gnomAD). The available data on variant occurrences in the general population are insufficient to allow any conclusion about variant significance. To our knowledge, no occurrence of c.5314C>T in individuals affected with NOTCH3-Related Disorders and no experimental evidence demonstrating its impact on protein function have been reported. No submitters have cited clinical-significance assessments for this variant to ClinVar. Based on the evidence outlined above, the variant was classified as uncertain significance.

NM_000435.3(NOTCH3):c.5314C>T (p.Gln1772Ter)

Gene: NOTCH3 (notch receptor 3; minus strand). Cytogenetic location: 19p13.12.
Variant type: single nucleotide variant.
Coding change: c.5314C>T on transcript NM_000435.3 (MANE Select); coding-DNA position 5314, C replaced by T.
Protein change: p.Gln1772Ter; replaces glutamine 1772 with a stop codon.
Molecular consequence: nonsense.
Genome position (GRCh38, 1-based): chr19:15,167,297, G>A on the plus strand (C>T on the coding strand, the complement: NOTCH3 is on the minus strand). VCF-style: chr19-15167297-G-A. GRCh37 (hg19) VCF-style: chr19-15278108-G-A.
Other names: short protein forms Q1772*.
Identifiers: ClinVar variation 3068873 (VCV003068873.2), dbSNP rs1469934540, ClinGen allele CA404495588.